The following is an entry in ClinVar:

ClinVar aggregate classification (germline): Likely benign. Review status: criteria provided, multiple submitters, no conflicts (2 of 4 stars). 2 submissions from 2 submitters: Likely benign (2). Last evaluated 2024-12-30.

Conditions:
NPHP4-related disorder. Also called: NPHP4-related disorders; NPHP4-related condition. Identifiers: MedGen CN239384.

gnomAD v4.1: 12 of 1,613,398 alleles (0.00074%); highest among the groups gnomAD compares: Non-Finnish European, 0.001%; no homozygotes.

Submissions (2):

PreventionGenetics, part of Exact Sciences
Classification: Likely benign for NPHP4-related condition. Last evaluated: 2024-12-30. Review status: criteria provided, single submitter. Criteria: ACMG Guidelines, 2015. Collection method: clinical testing. Allele origin: germline.
Comment: This variant is classified as likely benign based on ACMG/AMP sequence variant interpretation guidelines (Richards et al. 2015 PMID: 25741868, with internal and published modifications).

Blueprint Genetics
Classification: Likely benign. Last evaluated: 2024-02-06. Review status: criteria provided, single submitter. Criteria: ACMG Guidelines, 2015. Collection method: clinical testing. Allele origin: germline.

NM_015102.5(NPHP4):c.1933C>T (p.Leu645=)

Gene: NPHP4 (nephrocystin 4; minus strand). Cytogenetic location: 1p36.31.
Variant type: single nucleotide variant.
Coding change: c.1933C>T on transcript NM_015102.5 (MANE Select); coding-DNA position 1933, C replaced by T.
Protein change: p.Leu645=; no amino-acid change (leucine 645 retained).
Molecular consequence: synonymous variant. On other transcripts: non-coding transcript variant (1).
Genome position (GRCh38, 1-based): chr1:5,905,314, G>A on the plus strand (C>T on the coding strand, the complement: NPHP4 is on the minus strand). VCF-style: chr1-5905314-G-A. GRCh37 (hg19) VCF-style: chr1-5965374-G-A.
Other names: c.1933C>T (NM_015102.4); c.394C>T, p.Leu132= (NM_001291593.2); c.397C>T, p.Leu133= (NM_001291594.2).
Identifiers: ClinVar variation 4919367 (VCV004919367.2).
Genomic context (GRCh38, chr1:5,905,314, plus strand): 5'-TGAAAGCCAGATGAGTAACAGAATATTCAAGGATTTACCTGCTAAAGGCAAGAAACTGTA[G>A]CACCATCTCGTTGCTTTGTAGACAATCTGATTCTTCCTTCTGAGGGTTAAACGTCACAGG-3'
Protein context (NP_055917.1, residues 635-655): SDCLQSNEMV[Leu645=]QFLAFSRVAQ